The following is an entry in ClinVar:

ClinVar aggregate classification (germline): Uncertain significance (1 of 4 stars; one submission).

Conditions:
Combined oxidative phosphorylation deficiency. Identifiers: MedGen C4540031, MONDO:0000732.
Charcot-Marie-Tooth Neuropathy X. Identifiers: MedGen CN118851.

gnomAD v4.1: 9 of 1,209,976 alleles (0.00074%); highest among the groups gnomAD compares: Non-Finnish European, 0.00089%; no homozygotes.

Submission:

Labcorp Genetics (formerly Invitae), Labcorp
Classification: Uncertain significance for Charcot-Marie-Tooth Neuropathy X; Combined oxidative phosphorylation deficiency. Last evaluated: 2025-12-01. Review status: criteria provided, single submitter. Criteria: Invitae Variant Classification Sherloc (09022015). Collection method: clinical testing. Allele origin: germline.
Comment: This sequence change falls in intron 3 of the AIFM1 gene. It does not directly change the encoded amino acid sequence of the AIFM1 protein. This variant is present in population databases (no rsID available, gnomAD 0.001%). This variant has not been reported in the literature in individuals affected with AIFM1-related conditions. ClinVar contains an entry for this variant (Variation ID: 3749049). Algorithms developed to predict the effect of sequence changes on RNA splicing suggest that this variant may create or strengthen a splice site. In summary, the available evidence is currently insufficient to determine the role of this variant in disease. Therefore, it has been classified as a Variant of Uncertain Significance.

NM_004208.4(AIFM1):c.350-12T>C

Genes: AIFM1 (apoptosis inducing factor mitochondria associated 1; minus strand), RAB33A (RAB33A, member RAS oncogene family; plus strand). Cytogenetic location: Xq26.1.
Variant type: single nucleotide variant.
Coding change: c.350-12T>C on transcript NM_004208.4 (MANE Select); 12 bases into the intron before coding-DNA position 350, T replaced by C.
Molecular consequence: intron variant.
Genome position (GRCh38, 1-based): chrX:130,147,888, A>G on the plus strand (T>C on the coding strand, the complement: AIFM1 is on the minus strand). VCF-style: chrX-130147888-A-G. GRCh37 (hg19) VCF-style: chrX-129281863-A-G.
Other names: c.338-12T>C (NM_145812.3); c.350-12T>C (NM_001130847.4).
Identifiers: ClinVar variation 3749049 (VCV003749049.2).